The following is an entry in ClinVar:

ClinVar aggregate classification (germline): Uncertain significance. Review status: criteria provided, multiple submitters, no conflicts (2 of 4 stars). 6 submissions from 6 submitters: Uncertain significance (6). Last evaluated 2025-09-01.

Conditions:
Inborn genetic diseases. Identifiers: MedGen C0950123, MeSH D030342.
Collagen 6-related myopathy. Identifiers: MedGen CN117976, MONDO:0100225.
Bethlem myopathy 1A. Also called: Bethlem myopathy 1; MYOPATHY, BENIGN CONGENITAL, WITH CONTRACTURES; Bethlem Muscular Dystrophy. Identifiers: Orphanet 610, MedGen CN029274, MONDO:0024530, OMIM 158810.

Allele frequency attached by ClinVar (database versions not stated): gnomAD 0.00004 and 0.00005; gnomAD exomes 0.00005; TOPMed 0.00005; ExAC 0.00006; 1000 Genomes Project 0.00040; 1000 Genomes Project 30x 0.00047.
gnomAD v4.1: 52 of 1,612,848 alleles (0.0032%); highest among the groups gnomAD compares: East Asian, 0.016%; no homozygotes.

Submissions (6):

Ambry Genetics
Classification: Uncertain significance for Inborn genetic diseases. Last evaluated: 2025-09-01. Review status: criteria provided, single submitter. Criteria: Ambry Variant Classification Scheme 2023. Collection method: clinical testing. Allele origin: germline.

Labcorp Genetics (formerly Invitae), Labcorp
Classification: Uncertain significance for Bethlem myopathy 1A. Last evaluated: 2024-07-24. Review status: criteria provided, single submitter. Criteria: Invitae Variant Classification Sherloc (09022015). Collection method: clinical testing. Allele origin: germline.
Comment: This sequence change replaces glycine, which is neutral and non-polar, with arginine, which is basic and polar, at codon 760 of the COL6A2 protein (p.Gly760Arg). This variant is present in population databases (rs199913294, gnomAD 0.03%). This missense change has been observed in individual(s) with clinical features of COL6A2-related conditions (Invitae). ClinVar contains an entry for this variant (Variation ID: 569492). Advanced modeling of protein sequence and biophysical properties (such as structural, functional, and spatial information, amino acid conservation, physicochemical variation, residue mobility, and thermodynamic stability) performed at Invitae indicates that this missense variant is expected to disrupt COL6A2 protein function with a positive predictive value of 80%. In summary, the available evidence is currently insufficient to determine the role of this variant in disease. Therefore, it has been classified as a Variant of Uncertain Significance.

Revvity Omics, Revvity
Classification: Uncertain significance. Last evaluated: 2023-11-30. Review status: criteria provided, single submitter. Criteria: ACMG Guidelines, 2015. Collection method: clinical testing. Allele origin: germline.

Department of Pathology and Laboratory Medicine, Sinai Health System
Classification: Uncertain significance for collagen 6-related myopathy. Last evaluated: 2022-12-15. Review status: criteria provided, single submitter. Criteria: ACMG Guidelines, 2015. Collection method: research. Allele origin: germline.

GeneDx
Classification: Uncertain significance. Last evaluated: 2022-08-17. Review status: criteria provided, single submitter. Criteria: GeneDx Variant Classification Process June 2021. Collection method: clinical testing. Allele origin: germline. Affected: yes.
Comment: In silico analysis supports that this missense variant has a deleterious effect on protein structure/function; Has not been previously published as pathogenic or benign to our knowledge

ARUP Laboratories, Molecular Genetics and Genomics, ARUP Laboratories
Classification: Uncertain significance. Last evaluated: 2021-09-03. Review status: criteria provided, single submitter. Criteria: ARUP Molecular Germline Variant Investigation Process 2021. Collection method: clinical testing. Allele origin: germline.

NM_001849.4(COL6A2):c.2278G>A (p.Gly760Arg)

Gene: COL6A2 (collagen type VI alpha 2 chain; plus strand). Cytogenetic location: 21q22.3.
Variant type: single nucleotide variant.
Coding change: c.2278G>A on transcript NM_001849.4 (MANE Select); coding-DNA position 2278, G replaced by A.
Protein change: p.Gly760Arg; replaces glycine 760 with arginine.
Molecular consequence: missense variant.
Genome position (GRCh38, 1-based): chr21:46,126,093, G>A. VCF-style: chr21-46126093-G-A. GRCh37 (hg19) VCF-style: chr21-47546007-G-A.
Other names: c.2278G>A, p.Gly760Arg (NM_058174.3, NM_058175.3); short protein forms G760R.
Identifiers: ClinVar variation 569492 (VCV000569492.20), dbSNP rs199913294, ClinGen allele CA10072499.